The following is an entry in ClinVar:

NM_201384.3(PLEC):c.5444G>T (p.Arg1815Leu)

Gene: PLEC (plectin; minus strand). Cytogenetic location: 8q24.3.
Variant type: single nucleotide variant.
Coding change: c.5444G>T on transcript NM_201384.3 (MANE Select); coding-DNA position 5444, G replaced by T.
Protein change: p.Arg1815Leu; replaces arginine 1815 with leucine.
Molecular consequence: missense variant.
Genome position (GRCh38, 1-based): chr8:143,924,485, C>A on the plus strand (G>T on the coding strand, the complement: PLEC is on the minus strand). VCF-style: chr8-143924485-C-A. GRCh37 (hg19) VCF-style: chr8-144998653-C-A.
Other names: c.5525G>T, p.Arg1842Leu (NM_000445.5); c.5402G>T, p.Arg1801Leu (NM_201378.4); c.5378G>T, p.Arg1793Leu (NM_201379.3); c.5855G>T, p.Arg1952Leu (NM_201380.4); c.5348G>T, p.Arg1783Leu (NM_201381.3); c.5444G>T, p.Arg1815Leu (NM_201382.4); c.5456G>T, p.Arg1819Leu (NM_201383.3); short protein forms R1783L, R1793L, R1842L, R1801L, R1815L, R1819L, R1952L.
Identifiers: ClinVar variation 471606 (VCV000471606.4), dbSNP rs782213742, ClinGen allele CA4926363.

ClinVar aggregate classification (germline): Uncertain significance (1 of 4 stars; one submission).

Conditions:
Epidermolysis bullosa simplex with nail dystrophy (EBS5D). Identifiers: MedGen C4225309, MONDO:0014661, OMIM 616487.
Epidermolysis bullosa simplex, Ogna type (EBS5A). Also called: Pidermolysis bullosa simplex 5A, Ogna type; EPIDERMOLYSIS BULLOSA SIMPLEX 5A, OGNA TYPE. Identifiers: Orphanet 79401, MedGen C0432317, MONDO:0007555, OMIM 131950.
Autosomal recessive limb-girdle muscular dystrophy type 2Q (LGMDR17). Also called: MUSCULAR DYSTROPHY, LIMB-GIRDLE, AUTOSOMAL RECESSIVE 17. Identifiers: Orphanet 254361, MedGen C3150989, MONDO:0013390, OMIM 613723.
Epidermolysis bullosa simplex 5C, with pyloric atresia (EBS5C). Also called: PLEC-Related Epidermolysis Bullosa with Pyloric Atresia; Epidermolysis bullosa simplex with pyloric atresia; PLEC1-Related Epidermolysis Bullosa with Pyloric Atresia. Identifiers: Orphanet 158684, MedGen C2677349, MONDO:0012807, OMIM 612138.
Epidermolysis bullosa simplex 5B, with muscular dystrophy (EBS5B). Also called: EPIDERMOLYSIS BULLOSA SIMPLEX AND LIMB-GIRDLE MUSCULAR DYSTROPHY; Epidermolysis bullosa simplex with muscular dystrophy. Identifiers: Orphanet 257, MedGen C2931072, MONDO:0009181, OMIM 226670.

Allele frequency attached by ClinVar (database versions not stated): TOPMed 0.00002.
gnomAD v4.1: 16 of 1,543,544 alleles (0.001%); highest among the groups gnomAD compares: Admixed American, 0.013%; no homozygotes.

Submission:

Labcorp Genetics (formerly Invitae), Labcorp
Classification: Uncertain significance for Autosomal recessive limb-girdle muscular dystrophy type 2Q; Epidermolysis bullosa simplex, Ogna type; Epidermolysis bullosa simplex with nail dystrophy; Epidermolysis bullosa simplex 5C, with pyloric atresia; Epidermolysis bullosa simplex 5B, with muscular dystrophy. Last evaluated: 2024-10-18. Review status: criteria provided, single submitter. Criteria: Invitae Variant Classification Sherloc (09022015). Collection method: clinical testing. Allele origin: germline.
Comment: This sequence change replaces arginine, which is basic and polar, with leucine, which is neutral and non-polar, at codon 1842 of the PLEC protein (p.Arg1842Leu). The frequency data for this variant in the population databases is considered unreliable, as metrics indicate poor data quality at this position in the gnomAD database. This variant has not been reported in the literature in individuals affected with PLEC-related conditions. ClinVar contains an entry for this variant (Variation ID: 471606). Experimental studies and prediction algorithms are not available or were not evaluated, and the functional significance of this variant is currently unknown. In summary, the available evidence is currently insufficient to determine the role of this variant in disease. Therefore, it has been classified as a Variant of Uncertain Significance.